The following is an entry in ClinVar:

NM_001267550.2(TTN):c.104771C>T (p.Ser34924Leu)

Genes: TTN (titin; minus strand), TTN-AS1 (TTN antisense RNA 1; plus strand). Cytogenetic location: 2q31.2.
Variant type: single nucleotide variant.
Coding change: c.104771C>T on transcript NM_001267550.2 (MANE Select); coding-DNA position 104771, C replaced by T.
Protein change: p.Ser34924Leu; replaces serine 34924 with leucine.
Molecular consequence: missense variant.
Genome position (GRCh38, 1-based): chr2:178,531,844, G>A on the plus strand (C>T on the coding strand, the complement: TTN is on the minus strand). VCF-style: chr2-178531844-G-A. GRCh37 (hg19) VCF-style: chr2-179396571-G-A.
Other names: c.77576C>T, p.Ser25859Leu (NM_003319.4); c.97067C>T, p.Ser32356Leu (NM_133378.4); c.99848C>T, p.Ser33283Leu (NM_001256850.1); c.77951C>T, p.Ser25984Leu (NM_133432.3); c.78152C>T, p.Ser26051Leu (NM_133437.4); short protein forms S25859L, S25984L, S26051L, S32356L, S33283L, S34924L.
Identifiers: ClinVar variation 3749702 (VCV003749702.2).

ClinVar aggregate classification (germline): Uncertain significance (1 of 4 stars; one submission).

Conditions:
Dilated cardiomyopathy 1G (CMD1G). Identifiers: Orphanet 154, MedGen C1858763, MONDO:0011400, OMIM 604145.
Autosomal recessive limb-girdle muscular dystrophy type 2J (LGMDR10). Also called: Limb-girdle muscular dystrophy, type 2J; MUSCULAR DYSTROPHY, LIMB-GIRDLE, AUTOSOMAL RECESSIVE 10. Identifiers: Orphanet 140922, MedGen C1837342, MONDO:0012127, OMIM 608807.

Submission:

Labcorp Genetics (formerly Invitae), Labcorp
Classification: Uncertain significance for Dilated cardiomyopathy 1G; Autosomal recessive limb-girdle muscular dystrophy type 2J. Last evaluated: 2024-04-30. Review status: criteria provided, single submitter. Criteria: Invitae Variant Classification Sherloc (09022015). Collection method: clinical testing. Allele origin: germline.
Comment: This sequence change replaces serine, which is neutral and polar, with leucine, which is neutral and non-polar, at codon 34924 of the TTN protein (p.Ser34924Leu). This variant is not present in population databases (gnomAD no frequency). This variant has not been reported in the literature in individuals affected with TTN-related conditions. Experimental studies and prediction algorithms are not available or were not evaluated, and the functional significance of this variant is currently unknown. This variant is located in the M band of TTN (PMID: 25589632). Non-truncating variants in this region may be relevant for neuromuscular disorders, but have not been definitively shown to cause cardiomyopathy (PMID: 23975875). In summary, the available evidence is currently insufficient to determine the role of this variant in disease. Therefore, it has been classified as a Variant of Uncertain Significance.

Literature cited by the submitters: PubMed 25589632; PubMed 23975875.